The following is an entry in ClinVar:

ClinVar aggregate classification (germline): Uncertain significance. Review status: criteria provided, multiple submitters, no conflicts (2 of 4 stars). 2 submissions from 2 submitters: Uncertain significance (2). Last evaluated 2025-10-13.

Conditions:
Inborn genetic diseases. Identifiers: MedGen C0950123, MeSH D030342.

gnomAD v4.1: 15 of 1,553,172 alleles (0.00097%); highest among the groups gnomAD compares: Admixed American, 0.029%; no homozygotes.

Submissions (2):

Labcorp Genetics (formerly Invitae), Labcorp
Classification: Uncertain significance. Last evaluated: 2025-10-13. Review status: criteria provided, single submitter. Criteria: Invitae Variant Classification Sherloc (09022015). Collection method: clinical testing. Allele origin: germline.
Comment: This sequence change replaces phenylalanine, which is neutral and non-polar, with leucine, which is neutral and non-polar, at codon 73 of the MPLKIP protein (p.Phe73Leu). This variant is present in population databases (no rsID available, gnomAD 0.05%). This variant has not been reported in the literature in individuals affected with MPLKIP-related conditions. ClinVar contains an entry for this variant (Variation ID: 2074184). An algorithm developed to predict the effect of missense changes on protein structure and function (PolyPhen-2) suggests that this variant is likely to be disruptive. In summary, the available evidence is currently insufficient to determine the role of this variant in disease. Therefore, it has been classified as a Variant of Uncertain Significance.

Ambry Genetics
Classification: Uncertain significance for Inborn genetic diseases. Last evaluated: 2023-03-31. Review status: criteria provided, single submitter. Criteria: Ambry Variant Classification Scheme 2023. Collection method: clinical testing. Allele origin: germline.

NM_138701.4(MPLKIP):c.219C>G (p.Phe73Leu)

Genes: MPLKIP (M-phase specific PLK1 interacting protein; minus strand), LOC129998295 (ATAC-STARR-seq lymphoblastoid silent region 18117; plus strand). Cytogenetic location: 7p14.1.
Variant type: single nucleotide variant.
Coding change: c.219C>G on transcript NM_138701.4 (MANE Select); coding-DNA position 219, C replaced by G.
Protein change: p.Phe73Leu; replaces phenylalanine 73 with leucine.
Molecular consequence: missense variant.
Genome position (GRCh38, 1-based): chr7:40,134,349, G>C on the plus strand (C>G on the coding strand, the complement: MPLKIP is on the minus strand). VCF-style: chr7-40134349-G-C. GRCh37 (hg19) VCF-style: chr7-40173948-G-C.
Other names: c.219C>G (NM_138701.3); short protein forms F73L.
Identifiers: ClinVar variation 2074184 (VCV002074184.5), dbSNP rs564028324, ClinGen allele CA367308183.